The following is an entry in ClinVar:

ClinVar aggregate classification (germline): Uncertain significance (1 of 4 stars; one submission).

Conditions:
Hereditary cancer-predisposing syndrome. Also called: Neoplastic Syndromes, Hereditary; Tumor predisposition; Hereditary Cancer Syndrome; Hereditary neoplastic syndrome. Identifiers: Orphanet 140162, MedGen C0027672, MeSH D009386, MONDO:0015356.

Submission:

Ambry Genetics
Classification: Uncertain significance for Hereditary cancer-predisposing syndrome. Last evaluated: 2026-05-17. Review status: criteria provided, single submitter. Criteria: Ambry Variant Classification Scheme 2023. Collection method: clinical testing. Allele origin: germline.
Comment: The p.V128E variant (also known as c.383T>A), located in coding exon 2 of the BLM gene, results from a T to A substitution at nucleotide position 383. The valine at codon 128 is replaced by glutamic acid, an amino acid with dissimilar properties. This amino acid position is conserved. In addition, this alteration is predicted to be tolerated by in silico analysis. Based on the available evidence, the clinical significance of this variant remains unclear.

NM_000057.4(BLM):c.383T>A (p.Val128Glu)

Gene: BLM (BLM RecQ like helicase; plus strand). Cytogenetic location: 15q26.1.
Variant type: single nucleotide variant.
Coding change: c.383T>A on transcript NM_000057.4 (MANE Select); coding-DNA position 383, T replaced by A.
Protein change: p.Val128Glu; replaces valine 128 with glutamic acid.
Molecular consequence: missense variant. On other transcripts: 5 prime UTR variant (1).
Genome position (GRCh38, 1-based): chr15:90,749,651, T>A. VCF-style: chr15-90749651-T-A. GRCh37 (hg19) VCF-style: chr15-91292881-T-A.
Other names: c.383T>A, p.Val128Glu (NM_001287246.2, NM_001287247.2); c.-909T>A (NM_001287248.2); short protein forms V128E.
Identifiers: ClinVar variation 4867507 (VCV004867507.1).
Genomic context (GRCh38, chr15:90,749,651, plus strand): 5'-TGCCAGATTTCTTGCAGACTCCGAAGGAAGTTGTATGCACTACCCAAAACACACCAACTG[T>A]AAAGAAATCCCGGGATACTGCTCTCAAGAAATTAGAATTTAGTTCTTCACCAGATTCTTT-3'
Protein context (NP_000048.1, residues 118-138): VVCTTQNTPT[Val128Glu]KKSRDTALKK